The following is an entry in ClinVar:

ClinVar aggregate classification (germline): Conflicting classifications of pathogenicity. Review status: criteria provided, conflicting classifications (1 of 4 stars). 2 submissions from 2 submitters: Likely pathogenic (1); Uncertain significance (1). Last evaluated 2025-11-24.

Conditions:
Wiedemann-Steiner syndrome (WDSTS). Also called: Growth deficiency and mental retardation with facial dysmorphism. Identifiers: Orphanet 319182, MedGen C1854630, MONDO:0011518, OMIM 605130.

Submissions (2):

3billion
Classification: Uncertain significance for Wiedemann-Steiner syndrome. Last evaluated: 2025-11-24. Review status: criteria provided, single submitter. Criteria: ACMG Guidelines, 2015. Collection method: clinical testing. Allele origin: germline. Affected: yes.
Comment: The variant is not observed in the gnomAD v4.1.0 dataset. Predicted Consequence/Location: Missense variant In silico tool predictions suggest damaging effect of the variant on gene or gene product [REVEL: 0.73 (>=0.6, sensitivity 0.68 and specificity 0.92); 3Cnet: 0.99 (> 0.75, sensitivity 0.96 and precision 0.92)]. Different missense changes at the same codon (p.Arg1154Gln, p.Arg1154Trp) have been reported as pathogenic/likely pathogenic with strong evidence (ClinVar ID: VCV000430144, VCV000431895 /PMID: 29203834, 30315573 /3billion dataset). Therefore, this variant is classified as VUS according to the recommendation of ACMG/AMP guideline.

MVZ Medizinische Genetik Mainz
Classification: Likely pathogenic for Wiedemann-Steiner syndrome. Last evaluated: 2025-11-11. Review status: criteria provided, single submitter. Criteria: UK Practice Guidelines For Variant Classification V4 01 2020. Collection method: clinical testing. Allele origin: germline. Inheritance: Autosomal dominant inheritance. Affected: yes. Observed: 1 variant allele.
Comment: ACMG Criteria: PM1,PM5,PM2_SUP,PP2,PP3

Literature cited by the submitters: PubMed 29203834 (cited by 3billion).

NM_001197104.2(KMT2A):c.3461G>T (p.Arg1154Leu)

Gene: KMT2A (lysine methyltransferase 2A; plus strand). Cytogenetic location: 11q23.3.
Variant type: single nucleotide variant.
Coding change: c.3461G>T on transcript NM_001197104.2 (MANE Select); coding-DNA position 3461, G replaced by T.
Protein change: p.Arg1154Leu; replaces arginine 1154 with leucine.
Molecular consequence: missense variant.
Genome position (GRCh38, 1-based): chr11:118,478,093, G>T. VCF-style: chr11-118478093-G-T. GRCh37 (hg19) VCF-style: chr11-118348808-G-T.
Other names: c.3560G>T, p.Arg1187Leu (NM_001412597.1); c.3461G>T, p.Arg1154Leu (NM_005933.4); short protein forms R1154L, R1187L.
Identifiers: ClinVar variation 4532215 (VCV004532215.2).